The following is an entry in ClinVar:

NM_001378454.1(ALMS1):c.176A>G (p.His59Arg)

Gene: ALMS1 (ALMS1 centrosome and basal body associated protein; plus strand). Cytogenetic location: 2p13.1.
Variant type: single nucleotide variant.
Coding change: c.176A>G on transcript NM_001378454.1 (MANE Select); coding-DNA position 176, A replaced by G.
Protein change: p.His59Arg; replaces histidine 59 with arginine.
Molecular consequence: missense variant.
Genome position (GRCh38, 1-based): chr2:73,386,044, A>G. VCF-style: chr2-73386044-A-G. GRCh37 (hg19) VCF-style: chr2-73613172-A-G.
Other names: c.179A>G, p.His60Arg (NM_015120.4); short protein forms H59R, H60R.
Identifiers: ClinVar variation 3226593 (VCV003226593.2), dbSNP rs772683919, ClinGen allele CA347250763.

ClinVar aggregate classification (germline): Conflicting classifications of pathogenicity. Review status: criteria provided, conflicting classifications (1 of 4 stars). 2 submissions from 2 submitters: Uncertain significance (1); Likely benign (1). Last evaluated 2025-04-14.

Conditions:
ALMS1-related disorder. Also called: ALMS1-related condition.
Cardiovascular phenotype. Identifiers: MedGen CN230736.

Submissions (2):

PreventionGenetics, part of Exact Sciences
Classification: Uncertain significance for ALMS1-related condition. Last evaluated: 2025-04-14. Review status: criteria provided, single submitter. Criteria: ACMG Guidelines, 2015. Collection method: clinical testing. Allele origin: germline.
Comment: The ALMS1 c.179A>G variant is predicted to result in the amino acid substitution p.Tyr60Cys. To our knowledge, this variant has not been reported in the literature or in a large population database (gnomAD), indicating this variant is rare. At this time, the clinical significance of this variant is uncertain due to the absence of conclusive functional and genetic evidence.

Ambry Genetics
Classification: Likely benign for Cardiovascular phenotype. Last evaluated: 2024-03-01. Review status: criteria provided, single submitter. Criteria: Ambry Variant Classification Scheme 2023. Collection method: clinical testing. Allele origin: germline.